The following is an entry in ClinVar:

ClinVar aggregate classification (germline): Conflicting classifications of pathogenicity. Review status: criteria provided, conflicting classifications (1 of 4 stars). 7 submissions from 5 submitters: Uncertain significance (3); Likely benign (2). 2 of the submissions do not count toward it. Last evaluated 2026-01-14.

Conditions:
MYO7A-related disorder. Also called: MYO7A-related disorders.
Usher syndrome type 1 (USH1). Also called: RETINITIS PIGMENTOSA AND CONGENITAL DEAFNESS. Identifiers: Orphanet 231169, Orphanet 886, MedGen C1568247, MONDO:0010168, OMIM 276900.
Autosomal dominant nonsyndromic hearing loss 11. Identifiers: Orphanet 90635, MedGen C1832475, MONDO:0011032, OMIM 601317.
Autosomal recessive nonsyndromic hearing loss 2. Also called: NEUROSENSORY NONSYNDROMIC RECESSIVE DEAFNESS 2; DEAFNESS, AUTOSOMAL RECESSIVE 2. Identifiers: Orphanet 90636, MedGen C1838701, MONDO:0010807, OMIM 600060.
Usher syndrome type 1B (USH1B). Also called: Usher syndrome type IB. Identifiers: MedGen C1848638, MONDO:0700087.

Allele frequency attached by ClinVar (database versions not stated): gnomAD exomes 0.00011; ESP Exome Variant Server 0.00032; 1000 Genomes Project 0.00040; gnomAD 0.00040 and 0.00041; TOPMed 0.00043; 1000 Genomes Project 30x 0.00047.
gnomAD v4.1: 213 of 1,610,392 alleles (0.013%); highest among the groups gnomAD compares: African/African-American, 0.13%; no homozygotes.

Submissions (7):

Labcorp Genetics (formerly Invitae), Labcorp
Classification: Likely benign. Last evaluated: 2026-01-14. Review status: criteria provided, single submitter. Criteria: Invitae Variant Classification Sherloc (09022015). Collection method: clinical testing. Allele origin: germline.

Blueprint Genetics
Classification: Likely benign. Last evaluated: 2024-08-01. Review status: criteria provided, single submitter. Criteria: ACMG Guidelines, 2015. Collection method: clinical testing. Allele origin: germline.

Illumina Laboratory Services, Illumina
Classification: Uncertain significance for Autosomal recessive nonsyndromic hearing loss 2. Last evaluated: 2018-01-13. Review status: criteria provided, single submitter. Criteria: ICSL Variant Classification Criteria 13 December 2019. Collection method: clinical testing. Allele origin: germline.

Illumina Laboratory Services, Illumina
Classification: Uncertain significance for Autosomal dominant nonsyndromic hearing loss 11. Last evaluated: 2018-01-13. Review status: criteria provided, single submitter. Criteria: ICSL Variant Classification Criteria 13 December 2019. Collection method: clinical testing. Allele origin: germline.

Illumina Laboratory Services, Illumina
Classification: Uncertain significance for Usher syndrome type 1. Last evaluated: 2018-01-13. Review status: criteria provided, single submitter. Criteria: ICSL Variant Classification Criteria 13 December 2019. Collection method: clinical testing. Allele origin: germline.

PreventionGenetics, part of Exact Sciences
Classification: Likely benign for MYO7A-related condition. Last evaluated: 2024-08-01. Review status: no assertion criteria provided. Collection method: clinical testing. Allele origin: germline. Not counted in ClinVar's aggregate classification.
Comment: This variant is classified as likely benign based on ACMG/AMP sequence variant interpretation guidelines (Richards et al. 2015 PMID: 25741868, with internal and published modifications).

Natera, Inc.
Classification: Uncertain significance for Usher syndrome type 1B. Last evaluated: 2020-01-24. Review status: no assertion criteria provided. Collection method: clinical testing. Allele origin: germline. Not counted in ClinVar's aggregate classification.

NM_000260.4(MYO7A):c.5640C>T (p.Asn1880=)

Gene: MYO7A (myosin VIIA; plus strand). Cytogenetic location: 11q13.5.
Variant type: single nucleotide variant.
Coding change: c.5640C>T on transcript NM_000260.4 (MANE Select); coding-DNA position 5640, C replaced by T.
Protein change: p.Asn1880=; no amino-acid change (asparagine 1880 retained).
Molecular consequence: synonymous variant.
Genome position (GRCh38, 1-based): chr11:77,206,100, C>T. VCF-style: chr11-77206100-C-T. GRCh37 (hg19) VCF-style: chr11-76917145-C-T.
Other names: c.5526C>T, p.Asn1842= (NM_001127180.2); c.5493C>T, p.Asn1831= (NM_001369365.1).
Identifiers: ClinVar variation 306195 (VCV000306195.18), dbSNP rs140664109, ClinGen allele CA6198782.